The following is an entry in ClinVar:

NM_201596.3(CACNB2):c.1246G>A (p.Ala416Thr)

Gene: CACNB2 (calcium voltage-gated channel auxiliary subunit beta 2; plus strand). Cytogenetic location: 10p12.31.
Variant type: single nucleotide variant.
Coding change: c.1246G>A on transcript NM_201596.3 (MANE Select); coding-DNA position 1246, G replaced by A.
Protein change: p.Ala416Thr; replaces alanine 416 with threonine.
Molecular consequence: missense variant.
Genome position (GRCh38, 1-based): chr10:18,536,140, G>A. VCF-style: chr10-18536140-G-A. GRCh37 (hg19) VCF-style: chr10-18825069-G-A.
Other names: c.1081G>A, p.Ala361Thr (NM_000724.4); c.1048G>A, p.Ala350Thr (NM_001167945.2); c.967G>A, p.Ala323Thr (NM_001330060.2); c.988G>A, p.Ala330Thr (NM_001410882.1); c.1102G>A, p.Ala368Thr (NM_201570.3); c.1162G>A, p.Ala388Thr (NM_201571.4); c.1090G>A, p.Ala364Thr (NM_201572.4); c.1084G>A, p.Ala362Thr (NM_201590.3); and 2 more; short protein forms A323T, A364T, A368T, A416T, A388T, A392T, A330T, A362T.
Identifiers: ClinVar variation 3672195 (VCV003672195.2).

ClinVar aggregate classification (germline): Uncertain significance (1 of 4 stars; one submission).

Conditions:
Brugada syndrome 4 (BRGDA4). Identifiers: Orphanet 130, MedGen C2678477, MONDO:0012743, OMIM 611876.

gnomAD v4.1: 3 of 1,601,722 alleles (0.00019%); highest among the groups gnomAD compares: Admixed American, 0.0017%; no homozygotes.

Submission:

Labcorp Genetics (formerly Invitae), Labcorp
Classification: Uncertain significance for Brugada syndrome 4. Last evaluated: 2024-08-15. Review status: criteria provided, single submitter. Criteria: Invitae Variant Classification Sherloc (09022015). Collection method: clinical testing. Allele origin: germline.
Comment: This sequence change replaces alanine, which is neutral and non-polar, with threonine, which is neutral and polar, at codon 362 of the CACNB2 protein (p.Ala362Thr). This variant is present in population databases (rs751230324, gnomAD 0.003%). This variant has not been reported in the literature in individuals affected with CACNB2-related conditions. Invitae Evidence Modeling of protein sequence and biophysical properties (such as structural, functional, and spatial information, amino acid conservation, physicochemical variation, residue mobility, and thermodynamic stability) indicates that this missense variant is not expected to disrupt CACNB2 protein function with a negative predictive value of 80%. In summary, the available evidence is currently insufficient to determine the role of this variant in disease. Therefore, it has been classified as a Variant of Uncertain Significance.